The following is an entry in ClinVar:

ClinVar aggregate classification (germline): Uncertain significance. Review status: criteria provided, multiple submitters, no conflicts (2 of 4 stars). 3 submissions from 3 submitters: Uncertain significance (3). Last evaluated 2025-02-24.

Conditions:
Endometrial carcinoma. Also called: Endometrial carcinoma, somatic. Identifiers: MedGen C0476089, MONDO:0002447, OMIM 608089, HP:0012114.
Hereditary cancer-predisposing syndrome. Also called: Hereditary neoplastic syndrome; Neoplastic Syndromes, Hereditary; Tumor predisposition; Hereditary Cancer Syndrome. Identifiers: Orphanet 140162, MedGen C0027672, MeSH D009386, MONDO:0015356.

Allele frequency attached by ClinVar (database versions not stated): gnomAD exomes below 0.00001.
gnomAD v4.1: 1 of 1,599,882 alleles (0.000063%); highest among the groups gnomAD compares: Non-Finnish European, 0.000086%; no homozygotes.

Submissions (3):

Ambry Genetics
Classification: Uncertain significance for Hereditary cancer-predisposing syndrome. Last evaluated: 2025-02-24. Review status: criteria provided, single submitter. Criteria: Ambry Variant Classification Scheme 2023. Collection method: clinical testing. Allele origin: germline.
Comment: The p.R1103G variant (also known as c.3307A>G), located in coding exon 24 of the MSH3 gene, results from an A to G substitution at nucleotide position 3307. The arginine at codon 1103 is replaced by glycine, an amino acid with dissimilar properties. This amino acid position is conserved. In addition, the in silico prediction for this alteration is inconclusive. Since supporting evidence is limited at this time, the clinical significance of this alteration remains unclear.

Labcorp Genetics (formerly Invitae), Labcorp
Classification: Uncertain significance. Last evaluated: 2024-02-15. Review status: criteria provided, single submitter. Criteria: Invitae Variant Classification Sherloc (09022015). Collection method: clinical testing. Allele origin: germline.
Comment: This sequence change replaces arginine, which is basic and polar, with glycine, which is neutral and non-polar, at codon 1103 of the MSH3 protein (p.Arg1103Gly). This variant is not present in population databases (gnomAD no frequency). This variant has not been reported in the literature in individuals affected with MSH3-related conditions. ClinVar contains an entry for this variant (Variation ID: 942629). An algorithm developed to predict the effect of missense changes on protein structure and function (PolyPhen-2) suggests that this variant is likely to be tolerated. In summary, the available evidence is currently insufficient to determine the role of this variant in disease. Therefore, it has been classified as a Variant of Uncertain Significance.

Baylor Genetics
Classification: Uncertain significance for Endometrial carcinoma. Last evaluated: 2023-12-15. Review status: criteria provided, single submitter. Criteria: ACMG Guidelines, 2015. Collection method: clinical testing. Allele origin: unknown.

NM_002439.5(MSH3):c.3307A>G (p.Arg1103Gly)

Gene: MSH3 (mutS homolog 3; plus strand). Cytogenetic location: 5q14.1.
Variant type: single nucleotide variant.
Coding change: c.3307A>G on transcript NM_002439.5 (MANE Select); coding-DNA position 3307, A replaced by G.
Protein change: p.Arg1103Gly; replaces arginine 1103 with glycine.
Molecular consequence: missense variant.
Genome position (GRCh38, 1-based): chr5:80,875,755, A>G. VCF-style: chr5-80875755-A-G. GRCh37 (hg19) VCF-style: chr5-80171574-A-G.
Other names: short protein forms R1103G.
Identifiers: ClinVar variation 942629 (VCV000942629.15), dbSNP rs1746297485, ClinGen allele CA360347268.